The following is an entry in ClinVar:

ClinVar aggregate classification (germline): Uncertain significance (1 of 4 stars; one submission).

Conditions:
Candidiasis, familial, 6 (CANDF6). Also called: Candidiasis, familial, 6, autosomal dominant. Identifiers: Orphanet 1334, MedGen C3151405, MONDO:0013503, OMIM 613956.

Submission:

Labcorp Genetics (formerly Invitae), Labcorp
Classification: Uncertain significance for Candidiasis, familial, 6. Last evaluated: 2019-10-17. Review status: criteria provided, single submitter. Criteria: Invitae Variant Classification Sherloc (09022015). Collection method: clinical testing. Allele origin: germline.
Comment: This variant is not present in population databases (ExAC no frequency). This sequence change replaces methionine with leucine at codon 118 of the IL17F protein (p.Met118Leu). The methionine residue is moderately conserved and there is a small physicochemical difference between methionine and leucine. In summary, the available evidence is currently insufficient to determine the role of this variant in disease. Therefore, it has been classified as a Variant of Uncertain Significance. Algorithms developed to predict the effect of missense changes on protein structure and function output the following: SIFT: "Tolerated"; PolyPhen-2: "Benign"; Align-GVGD: "Class C0". The leucine amino acid residue is found in multiple mammalian species, suggesting that this missense change does not adversely affect protein function. These predictions have not been confirmed by published functional studies and their clinical significance is uncertain. This variant has not been reported in the literature in individuals with IL17F-related conditions.

NM_052872.4(IL17F):c.352A>C (p.Met118Leu)

Gene: IL17F (interleukin 17F; minus strand). Cytogenetic location: 6p12.2.
Variant type: single nucleotide variant.
Coding change: c.352A>C on transcript NM_052872.4 (MANE Select); coding-DNA position 352, A replaced by C.
Protein change: p.Met118Leu; replaces methionine 118 with leucine.
Molecular consequence: missense variant.
Genome position (GRCh38, 1-based): chr6:52,237,071, T>G on the plus strand (A>C on the coding strand, the complement: IL17F is on the minus strand). VCF-style: chr6-52237071-T-G. GRCh37 (hg19) VCF-style: chr6-52101869-T-G.
Other names: short protein forms M118L.
Identifiers: ClinVar variation 964683 (VCV000964683.9), dbSNP rs1763977355, ClinGen allele CA364444639.